The following is an entry in ClinVar:

NM_025243.4(SLC19A3):c.843G>A (p.Trp281Ter)

Gene: SLC19A3 (solute carrier family 19 member 3; minus strand). Cytogenetic location: 2q36.3.
Variant type: single nucleotide variant.
Coding change: c.843G>A on transcript NM_025243.4 (MANE Select); coding-DNA position 843, G replaced by A.
Protein change: p.Trp281Ter; replaces tryptophan 281 with a stop codon.
Molecular consequence: nonsense.
Genome position (GRCh38, 1-based): chr2:227,698,872, C>T on the plus strand (G>A on the coding strand, the complement: SLC19A3 is on the minus strand). VCF-style: chr2-227698872-C-T. GRCh37 (hg19) VCF-style: chr2-228563588-C-T.
Other names: c.843G>A, p.Trp281Ter (NM_001371411.1, NM_001371412.1); c.831G>A, p.Trp277Ter (NM_001371413.1, NM_001371414.1); short protein forms W277*, W281*.
Identifiers: ClinVar variation 3644869 (VCV003644869.2).
Genomic context (GRCh38, chr2:227,698,872, plus strand): 5'-GATTTGAACATAGTTCAAAACCTGGTTAAAACCTGCTGTGGCGAAAGCCCACCATAGAGA[C>T]CAGTAGAAAAGACGTTTTGAGGAGTAGCACTCCTTCAAATCTTGGAACCACTGCACAAAA-3'

ClinVar aggregate classification (germline): Pathogenic (1 of 4 stars; one submission).

Conditions:
Biotin-responsive basal ganglia disease (BTBGD). Also called: Thiamine metabolism dysfunction syndrome 2 (biotin- or thiamine-responsive encephalopathy type 2); thiamine-responsive encephalopathy; Thiamine Transporter-2 Deficiency; Thiamine metabolism dysfunction syndrome type 2; THIAMINE METABOLISM DYSFUNCTION SYNDROME 2 (BIOTIN- AND THIAMINE-RESPONSIVE TYPE). Identifiers: Orphanet 199348, Orphanet 65284, MedGen C1843807, MONDO:0011841, OMIM 607483.

Submission:

Labcorp Genetics (formerly Invitae), Labcorp
Classification: Pathogenic for Biotin-responsive basal ganglia disease. Last evaluated: 2024-03-07. Review status: criteria provided, single submitter. Criteria: Invitae Variant Classification Sherloc (09022015). Collection method: clinical testing. Allele origin: germline.
Comment: This sequence change creates a premature translational stop signal (p.Trp281*) in the SLC19A3 gene. It is expected to result in an absent or disrupted protein product. Loss-of-function variants in SLC19A3 are known to be pathogenic (PMID: 23423671, 23482991). This variant is not present in population databases (gnomAD no frequency). This premature translational stop signal has been observed in individual(s) with biotin-responsive basal ganglia disease (PMID: 34276785). For these reasons, this variant has been classified as Pathogenic.

Literature cited by the submitters: PubMed 23423671; PubMed 23482991; PubMed 34276785.